The following is an entry in ClinVar:

NM_000057.4(BLM):c.4141T>C (p.Ser1381Pro)

Gene: BLM (BLM RecQ like helicase; plus strand). Cytogenetic location: 15q26.1.
Variant type: single nucleotide variant.
Coding change: c.4141T>C on transcript NM_000057.4 (MANE Select); coding-DNA position 4141, T replaced by C.
Protein change: p.Ser1381Pro; replaces serine 1381 with proline.
Molecular consequence: missense variant.
Genome position (GRCh38, 1-based): chr15:90,815,166, T>C. VCF-style: chr15-90815166-T-C. GRCh37 (hg19) VCF-style: chr15-91358396-T-C.
Other names: c.4141T>C, p.Ser1381Pro (NM_001287246.2); c.3748T>C, p.Ser1250Pro (NM_001287247.2); c.3016T>C, p.Ser1006Pro (NM_001287248.2); short protein forms S1006P, S1250P, S1381P.
Identifiers: ClinVar variation 3224726 (VCV003224726.1), dbSNP rs1897527691, ClinGen allele CA393852306.

ClinVar aggregate classification (germline): Uncertain significance (1 of 4 stars; one submission).

Conditions:
Hereditary cancer-predisposing syndrome. Also called: Tumor predisposition; Hereditary neoplastic syndrome; Hereditary Cancer Syndrome; Neoplastic Syndromes, Hereditary. Identifiers: Orphanet 140162, MedGen C0027672, MeSH D009386, MONDO:0015356.

Submission:

Ambry Genetics
Classification: Uncertain significance for Hereditary cancer-predisposing syndrome. Last evaluated: 2024-03-07. Review status: criteria provided, single submitter. Criteria: Ambry Variant Classification Scheme 2023. Collection method: clinical testing. Allele origin: germline.
Comment: The p.S1381P variant (also known as c.4141T>C), located in coding exon 21 of the BLM gene, results from a T to C substitution at nucleotide position 4141. The serine at codon 1381 is replaced by proline, an amino acid with similar properties. This amino acid position is conserved. In addition, this alteration is predicted to be tolerated by in silico analysis. Based on the available evidence, the clinical significance of this alteration remains unclear.